The following is an entry in ClinVar:

NM_001329943.3(KIAA0586):c.4495+3796G>A

Gene: KIAA0586 (KIAA0586; plus strand). Cytogenetic location: 14q23.1.
Variant type: single nucleotide variant.
Coding change: c.4495+3796G>A on transcript NM_001329943.3 (MANE Select); 3796 bases into the intron after coding-DNA position 4495, G replaced by A.
Molecular consequence: intron variant. On other transcripts: synonymous variant (2).
Genome position (GRCh38, 1-based): chr14:58,543,932, G>A. VCF-style: chr14-58543932-G-A. GRCh37 (hg19) VCF-style: chr14-59010650-G-A.
Other names: c.4704G>A, p.Leu1568= (NM_001244189.2); c.4545G>A, p.Leu1515= (NM_001329944.2); c.4450+3796G>A (NM_001244190.2); c.4363+3796G>A (NM_001244192.2, NM_001329947.2); c.4240+3796G>A (NM_001244191.2, NM_001364701.2); c.4430-3849G>A (NM_001329946.2); c.4267+3796G>A (NM_014749.5); c.4175-3849G>A (NM_001329945.2).
Identifiers: ClinVar variation 737937 (VCV000737937.7), dbSNP rs780733329, ClinGen allele CA7206424.

ClinVar aggregate classification (germline): Likely benign. Review status: criteria provided, multiple submitters, no conflicts (2 of 4 stars). 2 submissions from 2 submitters: Likely benign (2). Last evaluated 2026-01-01.

Allele frequency attached by ClinVar (database versions not stated): gnomAD 0.00006; gnomAD exomes 0.00008 and 0.00010; ExAC 0.00009; TOPMed 0.00010.
gnomAD v4.1: 36 of 455,876 alleles (0.0079%); highest among the groups gnomAD compares: East Asian, 0.021%; no homozygotes.

Submissions (2):

CeGaT Center for Human Genetics Tuebingen
Classification: Likely benign. Last evaluated: 2026-01-01. Review status: criteria provided, single submitter. Criteria: CeGaT Center For Human Genetics Tuebingen Variant Classification Criteria Version 2. Collection method: clinical testing. Allele origin: germline. Affected: yes. Observed: 1 variant allele.
Comment: KIAA0586: BP4, BP7

Labcorp Genetics (formerly Invitae), Labcorp
Classification: Likely benign. Last evaluated: 2018-03-29. Review status: criteria provided, single submitter. Criteria: Invitae Variant Classification Sherloc (09022015). Collection method: clinical testing. Allele origin: germline.